The following is an entry in ClinVar:

ClinVar aggregate classification (germline): Uncertain significance (1 of 4 stars; one submission).

Conditions:
Noonan syndrome 5 (NS5). Also called: RAF1-Related Noonan Syndrome. Identifiers: Orphanet 648, MedGen C1969057, MONDO:0012690, OMIM 611553. Disease mechanism: gain of function.

Submission:

Mendelics
Classification: Uncertain significance for Noonan syndrome 5. Last evaluated: 2026-03-28. Review status: criteria provided, single submitter. Criteria: ACMG Guidelines, 2015. Collection method: clinical testing. Allele origin: unknown.
Comment: The available evidence is insufficient to conclusively determine the role of this variant. Therefore, it is classified as a Variant of Uncertain Significance.

Single allele

Genes: RAF1 (Raf-1 proto-oncogene, serine/threonine kinase; minus strand), TMEM40 (transmembrane protein 40; minus strand), LOC129936177 (ATAC-STARR-seq lymphoblastoid active region 19447; plus strand), LOC129936178 (ATAC-STARR-seq lymphoblastoid active region 19449; plus strand), LOC129936179 (ATAC-STARR-seq lymphoblastoid active region 19450; plus strand) and 4 more. Cytogenetic location: 3p25.2.
Variant type: Duplication.
Identifiers: ClinVar variation 4820237 (VCV004820237.1).